The following is an entry in ClinVar:

ClinVar aggregate classification (germline): Likely pathogenic (1 of 4 stars; one submission).

Conditions:
Mitochondrial oxidative phosphorylation disorder. Identifiers: Orphanet 223713, MedGen C5679825, MONDO:0016387.

Submission:

Laboratory for Molecular Medicine, Mass General Brigham Personalized Medicine
Classification: Likely pathogenic for Mitochondrial oxidative phosphorylation disorder. Last evaluated: 2017-07-11. Review status: criteria provided, single submitter. Criteria: LMM Criteria. Collection method: clinical testing. Allele origin: germline. Inheritance: Autosomal recessive inheritance. Observed: 1 variant allele.
Comment: The p.Cys7X (NM_032861.3 c.21C>A) variant in SERAC1 has not been previously repo rted in the literature and was absent from large population studies. This nonsen se variant leads to a premature termination codon at position 7, which is predic ted to lead to a truncated or absent protein. Biallelic loss of function of the SERAC1 gene has been associated with 3-methylglutaconic aciduria with deafness, encephalopathy, and Leigh-like syndrome (MEGDEL syndrome), also referred to as 3-methylglutaconic aciduria type VI (MGCA6). In summary, although additional stu dies are required to fully establish a null effect on the protein, the p.Cys7X v ariant in the SERAC1 gene is likely pathogenic for MEGDEL syndrome in an autosom al recessive manner based on its predicted impact on the protein.

NM_032861.4(SERAC1):c.21C>A (p.Cys7Ter)

Gene: SERAC1 (serine active site containing 1; minus strand). Cytogenetic location: 6q25.3.
Variant type: single nucleotide variant.
Coding change: c.21C>A on transcript NM_032861.4 (MANE Select); coding-DNA position 21, C replaced by A.
Protein change: p.Cys7Ter; replaces cysteine 7 with a stop codon.
Molecular consequence: nonsense. On other transcripts: non-coding transcript variant (1).
Genome position (GRCh38, 1-based): chr6:158,158,343, G>T on the plus strand (C>A on the coding strand, the complement: SERAC1 is on the minus strand). VCF-style: chr6-158158343-G-T. GRCh37 (hg19) VCF-style: chr6-158579375-G-T.
Other names: short protein forms C7*.
Identifiers: ClinVar variation 505907 (VCV000505907.5), dbSNP rs139301835, ClinGen allele CA366249982.
Genomic context (GRCh38, chr6:158,158,343, plus strand): 5'-CCAGTGTGTGCCACTTTTTGGTGGGGAAGTAGAGGTTCCTATTCTTCTGCAACAGATGAC[G>T]CAATAAGCAGCCAGGGACATTCTGTGTAAGTAGAACAATTACAACAAATTTAATTTAGCA-3'